The following is an entry in ClinVar:

ClinVar aggregate classification (germline): Uncertain significance (1 of 4 stars; one submission).

Allele frequency attached by ClinVar (database versions not stated): gnomAD exomes 0.00001.
gnomAD v4.1: 2 of 1,368,466 alleles (0.00015%); highest among the groups gnomAD compares: Non-Finnish European, 0.00019%; no homozygotes.

Submission:

Labcorp Genetics (formerly Invitae), Labcorp
Classification: Uncertain significance. Last evaluated: 2025-12-08. Review status: criteria provided, single submitter. Criteria: Invitae Variant Classification Sherloc (09022015). Collection method: clinical testing. Allele origin: germline.
Comment: This sequence change replaces serine, which is neutral and polar, with asparagine, which is neutral and polar, at codon 1185 of the GRIN2D protein (p.Ser1185Asn). This variant is not present in population databases (gnomAD no frequency). This variant has not been reported in the literature in individuals affected with GRIN2D-related conditions. ClinVar contains an entry for this variant (Variation ID: 2963926). Invitae Evidence Modeling of protein sequence and biophysical properties (such as structural, functional, and spatial information, amino acid conservation, physicochemical variation, residue mobility, and thermodynamic stability) indicates that this missense variant is not expected to disrupt GRIN2D protein function with a negative predictive value of 95%. In summary, the available evidence is currently insufficient to determine the role of this variant in disease. Therefore, it has been classified as a Variant of Uncertain Significance.

NM_000836.4(GRIN2D):c.3554G>A (p.Ser1185Asn)

Gene: GRIN2D (glutamate ionotropic receptor NMDA type subunit 2D; plus strand). Cytogenetic location: 19q13.33.
Variant type: single nucleotide variant.
Coding change: c.3554G>A on transcript NM_000836.4 (MANE Select); coding-DNA position 3554, G replaced by A.
Protein change: p.Ser1185Asn; replaces serine 1185 with asparagine.
Molecular consequence: missense variant.
Genome position (GRCh38, 1-based): chr19:48,443,480, G>A. VCF-style: chr19-48443480-G-A. GRCh37 (hg19) VCF-style: chr19-48946737-G-A.
Other names: short protein forms S1185N.
Identifiers: ClinVar variation 2963926 (VCV002963926.3), dbSNP rs1193149304, ClinGen allele CA406676825.